The following is an entry in ClinVar:

NM_001395159.1(UNC79):c.7242+1G>A

Gene: UNC79 (unc-79 homolog, NALCN channel complex subunit; plus strand). Cytogenetic location: 14q32.12.
Variant type: single nucleotide variant.
Coding change: c.7242+1G>A on transcript NM_001395159.1 (MANE Select); the canonical splice donor site of the intron after coding-DNA position 7242, G replaced by A.
Molecular consequence: splice donor variant.
Genome position (GRCh38, 1-based): chr14:93,686,662, G>A. VCF-style: chr14-93686662-G-A. GRCh37 (hg19) VCF-style: chr14-94153008-G-A.
Other names: c.6495+1G>A (NM_020818.5); c.7176+1G>A (NM_001346218.2).
Identifiers: ClinVar variation 3376655 (VCV003376655.1).

ClinVar aggregate classification (germline): Uncertain significance (1 of 4 stars; one submission).

Conditions:
Neurodevelopmental disorder. Identifiers: MedGen C1535926, MeSH D065886, MONDO:0700092.

gnomAD v4.1: 1 of 1,614,090 alleles (0.000062%); highest among the groups gnomAD compares: Admixed American, 0.0017%; no homozygotes.

Submission:

Victorian Clinical Genetics Services, Murdoch Childrens Research Institute
Classification: Uncertain significance for Neurodevelopmental disorder. Last evaluated: 2024-10-09. Review status: criteria provided, single submitter. Criteria: ACMG Guidelines, 2015. Collection method: clinical testing. Allele origin: germline. Inheritance: Autosomal dominant inheritance. Affected: yes.
Comment: Based on the classification scheme VCGS_Germline_v1.3.4, this variant is classified as VUS-3A. Following criteria are met: 0102 - Loss of function is a known mechanism of disease in this gene and is associated with neurodevelopmental disorder (MONDO:0700092), UNC79-related. (I) 0107 - This gene is associated with autosomal dominant disease (PMID: 37183800). (I) 0211 - Canonical splice site variant without proven consequence on splicing (no functional evidence available). (SP) 0251 - This variant is heterozygous. (I) 0302 - Variant is present in gnomAD (v2) <0.001 for a dominant condition (1 heterozygote, 0 homozygotes). (SP) 0505 - Abnormal splicing is predicted by in silico tools and affected nucleotide is highly conserved. (SP) 0705 - No comparable splice site variants have previous evidence for pathogenicity. (I) 0807 - This variant has no previous evidence of pathogenicity. (I) 0905 - No published segregation evidence has been identified for this variant. (I) 1007 - No published functional evidence has been identified for this variant. (I) 1208 - Inheritance information for this variant is not currently available in this individual. (I) Legend: (SP) - Supporting pathogenic, (I) - Information, (SB) - Supporting benign

Literature cited by the submitters: PubMed 37183800.